The following is an entry in ClinVar:

ClinVar aggregate classification (germline): Uncertain significance. Review status: criteria provided, multiple submitters, no conflicts (2 of 4 stars). 2 submissions from 2 submitters: Uncertain significance (2). Last evaluated 2025-09-29.

Allele frequency attached by ClinVar (database versions not stated): gnomAD 0.00001; gnomAD exomes 0.00001; TOPMed 0.00001.
gnomAD v4.1: 15 of 1,612,570 alleles (0.00093%); highest among the groups gnomAD compares: Non-Finnish European, 0.0013%; no homozygotes.

Submissions (2):

Labcorp Genetics (formerly Invitae), Labcorp
Classification: Uncertain significance. Last evaluated: 2025-09-29. Review status: criteria provided, single submitter. Criteria: Invitae Variant Classification Sherloc (09022015). Collection method: clinical testing. Allele origin: germline.
Comment: This sequence change replaces threonine, which is neutral and polar, with alanine, which is neutral and non-polar, at codon 59 of the TBXA2R protein (p.Thr59Ala). This variant is not present in population databases (gnomAD no frequency). This variant has not been reported in the literature in individuals affected with TBXA2R-related conditions. ClinVar contains an entry for this variant (Variation ID: 1303042). Invitae Evidence Modeling of protein sequence and biophysical properties (such as structural, functional, and spatial information, amino acid conservation, physicochemical variation, residue mobility, and thermodynamic stability) indicates that this missense variant is not expected to disrupt TBXA2R protein function with a negative predictive value of 80%. In summary, the available evidence is currently insufficient to determine the role of this variant in disease. Therefore, it has been classified as a Variant of Uncertain Significance.

GeneDx
Classification: Uncertain significance. Last evaluated: 2019-10-22. Review status: criteria provided, single submitter. Criteria: GeneDx Variant Classification Process June 2021. Collection method: clinical testing. Allele origin: germline. Affected: yes.
Comment: Not observed in large population cohorts (Lek et al., 2016); In silico analysis, which includes protein predictors and evolutionary conservation, supports that this variant does not alter protein structure/function; Has not been previously published as pathogenic or benign to our knowledge

NM_001060.6(TBXA2R):c.175A>G (p.Thr59Ala)

Gene: TBXA2R (thromboxane A2 receptor; minus strand). Cytogenetic location: 19p13.3.
Variant type: single nucleotide variant.
Coding change: c.175A>G on transcript NM_001060.6 (MANE Select); coding-DNA position 175, A replaced by G.
Protein change: p.Thr59Ala; replaces threonine 59 with alanine.
Molecular consequence: missense variant.
Genome position (GRCh38, 1-based): chr19:3,600,460, T>C on the plus strand (A>G on the coding strand, the complement: TBXA2R is on the minus strand). VCF-style: chr19-3600460-T-C. GRCh37 (hg19) VCF-style: chr19-3600458-T-C.
Other names: c.175A>G, p.Thr59Ala (NM_201636.3); short protein forms T59A.
Identifiers: ClinVar variation 1303042 (VCV001303042.3), dbSNP rs1167238982, ClinGen allele CA403335606.